The following is an entry in ClinVar:

ClinVar aggregate classification (germline): Uncertain significance. Review status: criteria provided, multiple submitters, no conflicts (2 of 4 stars). 3 submissions from 3 submitters: Uncertain significance (3). Last evaluated 2023-10-28.

Conditions:
Inborn genetic diseases. Identifiers: MedGen C0950123, MeSH D030342.

Allele frequency attached by ClinVar (database versions not stated): gnomAD exomes below 0.00001; ExAC 0.00001; TOPMed 0.00002; gnomAD 0.00003.
gnomAD v4.1: 6 of 1,614,028 alleles (0.00037%); highest among the groups gnomAD compares: African/African-American, 0.0013%; no homozygotes.

Submissions (3):

Ambry Genetics
Classification: Uncertain significance for Inborn genetic diseases. Last evaluated: 2023-10-28. Review status: criteria provided, single submitter. Criteria: Ambry Variant Classification Scheme 2023. Collection method: clinical testing. Allele origin: germline.

Labcorp Genetics (formerly Invitae), Labcorp
Classification: Uncertain significance. Last evaluated: 2023-07-03. Review status: criteria provided, single submitter. Criteria: Invitae Variant Classification Sherloc (09022015). Collection method: clinical testing. Allele origin: germline.
Comment: This sequence change replaces alanine, which is neutral and non-polar, with valine, which is neutral and non-polar, at codon 186 of the ADAMTS18 protein (p.Ala186Val). This variant is present in population databases (rs767861255, gnomAD 0.0009%). In summary, the available evidence is currently insufficient to determine the role of this variant in disease. Therefore, it has been classified as a Variant of Uncertain Significance. An algorithm developed to predict the effect of missense changes on protein structure and function (PolyPhen-2) suggests that this variant is likely to be disruptive. ClinVar contains an entry for this variant (Variation ID: 863835). This variant has not been reported in the literature in individuals affected with ADAMTS18-related conditions.

Blueprint Genetics
Classification: Uncertain significance. Last evaluated: 2022-09-28. Review status: criteria provided, single submitter. Criteria: ACMG Guidelines, 2015. Collection method: clinical testing. Allele origin: germline.

NM_199355.4(ADAMTS18):c.557C>T (p.Ala186Val)

Gene: ADAMTS18 (ADAM metallopeptidase with thrombospondin type 1 motif 18; minus strand). Cytogenetic location: 16q23.1.
Variant type: single nucleotide variant.
Coding change: c.557C>T on transcript NM_199355.4 (MANE Select); coding-DNA position 557, C replaced by T.
Protein change: p.Ala186Val; replaces alanine 186 with valine.
Molecular consequence: missense variant.
Genome position (GRCh38, 1-based): chr16:77,367,662, G>A on the plus strand (C>T on the coding strand, the complement: ADAMTS18 is on the minus strand). VCF-style: chr16-77367662-G-A. GRCh37 (hg19) VCF-style: chr16-77401559-G-A.
Other names: c.557C>T (NM_199355.2); c.37C>T, p.Pro13Ser (NM_001326358.2); short protein forms P13S, A186V.
Identifiers: ClinVar variation 863835 (VCV000863835.11), dbSNP rs767861255, ClinGen allele CA8181637.